The following is an entry in ClinVar:

NM_006015.6(ARID1A):c.343A>C (p.Asn115His)

Gene: ARID1A (AT-rich interaction domain 1A; plus strand). Cytogenetic location: 1p36.11.
Variant type: single nucleotide variant.
Coding change: c.343A>C on transcript NM_006015.6 (MANE Select); coding-DNA position 343, A replaced by C.
Protein change: p.Asn115His; replaces asparagine 115 with histidine.
Molecular consequence: missense variant.
Genome position (GRCh38, 1-based): chr1:26,696,746, A>C. VCF-style: chr1-26696746-A-C. GRCh37 (hg19) VCF-style: chr1-27023237-A-C.
Other names: c.343A>C, p.Asn115His (NM_139135.4); short protein forms N115H.
Identifiers: ClinVar variation 3340876 (VCV003340876.1).

ClinVar aggregate classification (germline): Uncertain significance (1 of 4 stars; one submission).

Submission:

GeneDx
Classification: Uncertain significance. Last evaluated: 2024-03-04. Review status: criteria provided, single submitter. Criteria: GeneDx Variant Classification Process June 2021. Collection method: clinical testing. Allele origin: germline. Affected: yes.
Comment: Not observed at significant frequency in large population cohorts (gnomAD); In silico analysis supports that this missense variant does not alter protein structure/function; Has not been previously published as pathogenic or benign to our knowledge